The following is an entry in ClinVar:

NM_004281.4(BAG3):c.1702A>T (p.Thr568Ser)

Gene: BAG3 (BAG cochaperone 3; plus strand). Cytogenetic location: 10q26.11.
Variant type: single nucleotide variant.
Coding change: c.1702A>T on transcript NM_004281.4 (MANE Select); coding-DNA position 1702, A replaced by T.
Protein change: p.Thr568Ser; replaces threonine 568 with serine.
Molecular consequence: missense variant.
Genome position (GRCh38, 1-based): chr10:119,677,256, A>T. VCF-style: chr10-119677256-A-T. GRCh37 (hg19) VCF-style: chr10-121436768-A-T.
Other names: short protein forms T568S.
Identifiers: ClinVar variation 2576757 (VCV002576757.1), dbSNP rs1407009048, ClinGen allele CA378297892.

ClinVar aggregate classification (germline): Uncertain significance (1 of 4 stars; one submission).

Submission:

GeneDx
Classification: Uncertain significance. Last evaluated: 2023-02-16. Review status: criteria provided, single submitter. Criteria: GeneDx Variant Classification Process June 2021. Collection method: clinical testing. Allele origin: germline. Affected: yes.
Comment: Has not been previously published as pathogenic or benign to our knowledge; Not observed at significant frequency in large population cohorts (gnomAD); In silico analysis supports that this missense variant does not alter protein structure/function